The following is an entry in ClinVar:

ClinVar aggregate classification (germline): Uncertain significance (1 of 4 stars; one submission).

Conditions:
Alstrom syndrome (ALMS). Identifiers: Orphanet 64, MedGen C0268425, MONDO:0008763, OMIM 203800.

Submission:

Labcorp Genetics (formerly Invitae), Labcorp
Classification: Uncertain significance for Alstrom syndrome. Last evaluated: 2022-03-18. Review status: criteria provided, single submitter. Criteria: Invitae Variant Classification Sherloc (09022015). Collection method: clinical testing. Allele origin: germline.
Comment: This sequence change replaces serine, which is neutral and polar, with alanine, which is neutral and non-polar, at codon 1552 of the ALMS1 protein (p.Ser1552Ala). This variant is not present in population databases (gnomAD no frequency). This variant has not been reported in the literature in individuals affected with ALMS1-related conditions. Experimental studies and prediction algorithms are not available or were not evaluated, and the functional significance of this variant is currently unknown. In summary, the available evidence is currently insufficient to determine the role of this variant in disease. Therefore, it has been classified as a Variant of Uncertain Significance.

NM_001378454.1(ALMS1):c.4651T>G (p.Ser1551Ala)

Gene: ALMS1 (ALMS1 centrosome and basal body associated protein; plus strand). Cytogenetic location: 2p13.1.
Variant type: single nucleotide variant.
Coding change: c.4651T>G on transcript NM_001378454.1 (MANE Select); coding-DNA position 4651, T replaced by G.
Protein change: p.Ser1551Ala; replaces serine 1551 with alanine.
Molecular consequence: missense variant.
Genome position (GRCh38, 1-based): chr2:73,451,178, T>G. VCF-style: chr2-73451178-T-G. GRCh37 (hg19) VCF-style: chr2-73678305-T-G.
Other names: c.4654T>G, p.Ser1552Ala (NM_015120.4); short protein forms S1551A, S1552A.
Identifiers: ClinVar variation 2089240 (VCV002089240.4), dbSNP rs2466102264, ClinGen allele CA347278984.